The following is an entry in ClinVar:

NM_000315.4(PTH):c.247C>A (p.Arg83=)

Gene: PTH (parathyroid hormone; minus strand). Cytogenetic location: 11p15.3.
Variant type: single nucleotide variant.
Coding change: c.247C>A on transcript NM_000315.4 (MANE Select); coding-DNA position 247, C replaced by A.
Protein change: p.Arg83=; no amino-acid change (arginine 83 retained).
Molecular consequence: synonymous variant.
Genome position (GRCh38, 1-based): chr11:13,492,506, G>T on the plus strand (C>A on the coding strand, the complement: PTH is on the minus strand). VCF-style: chr11-13492506-G-T. GRCh37 (hg19) VCF-style: chr11-13514053-G-T.
Other names: c.343C>A, p.Arg115= (NM_001316352.2).
Identifiers: ClinVar variation 255817 (VCV000255817.15), dbSNP rs6256, ClinGen allele CA5893169.

ClinVar aggregate classification (germline): Benign/Likely benign. Review status: criteria provided, multiple submitters, no conflicts (2 of 4 stars). 7 submissions from 7 submitters: Benign (6); Likely benign (1). Last evaluated 2026-02-04.

Conditions:
Hypoparathyroidism, familial isolated 1 (FIH1). Identifiers: MedGen C5241444, MONDO:0007796, OMIM 146200.
Familial hypoparathyroidism. Also called: Familial isolated hypoparathyroidism. Identifiers: Orphanet 2238, MedGen C1832648, MONDO:0016390.

Allele frequency attached by ClinVar (database versions not stated): TOPMed 0.12151; gnomAD 0.12676; 1000 Genomes Project 30x 0.14944; 1000 Genomes Project 0.15136; ExAC 0.16106.
gnomAD v4.1: 252,047 of 1,613,284 alleles (16%); highest among the groups gnomAD compares: South Asian, 32%; 21,820 homozygotes.

Submissions (7):

Labcorp Genetics (formerly Invitae), Labcorp
Classification: Benign. Last evaluated: 2026-02-04. Review status: criteria provided, single submitter. Criteria: Invitae Variant Classification Sherloc (09022015). Collection method: clinical testing. Allele origin: germline.

Blueprint Genetics
Classification: Likely benign. Last evaluated: 2024-11-27. Review status: criteria provided, single submitter. Criteria: ACMG Guidelines, 2015. Collection method: clinical testing. Allele origin: germline.

Genome-Nilou Lab
Classification: Benign for Hypoparathyroidism, familial isolated 1. Last evaluated: 2021-11-07. Review status: criteria provided, single submitter. Criteria: ACMG Guidelines, 2015. Collection method: clinical testing. Allele origin: germline. Affected: no.

GeneDx
Classification: Benign. Last evaluated: 2021-05-04. Review status: criteria provided, single submitter. Criteria: GeneDx Variant Classification Process June 2021. Collection method: clinical testing. Allele origin: germline. Affected: yes.

Illumina Laboratory Services, Illumina
Classification: Benign for Hypoparathyroidism, familial isolated 1. Last evaluated: 2018-03-06. Review status: criteria provided, single submitter. Criteria: ICSL Variant Classification Criteria 13 December 2019. Collection method: clinical testing. Allele origin: germline.
Comment: This variant was observed in the ICSL laboratory as part of a predisposition screen in an ostensibly healthy population. It had not been previously curated by ICSL or reported in the Human Gene Mutation Database (HGMD: prior to June 1st, 2018), and was therefore a candidate for classification through an automated scoring system. Utilizing variant allele frequency, disease prevalence and penetrance estimates, and inheritance mode, an automated score was calculated to assess if this variant is too frequent to cause the disease. Based on the score and internal cut-off values, a variant classified as benign is not then subjected to further curation. The score for this variant resulted in a classification of benign for this disease.

Breakthrough Genomics
Classification: Benign. Review status: criteria provided, single submitter. Criteria: ACMG Guidelines, 2015. Collection method: not provided. Allele origin: germline. Inheritance: Autosomal dominant inheritance. Affected: yes.

PreventionGenetics, part of Exact Sciences
Classification: Benign. Review status: criteria provided, single submitter. Criteria: ACMG Guidelines, 2015. Collection method: clinical testing. Allele origin: germline.